The following is an entry in ClinVar:

ClinVar aggregate classification (germline): Pathogenic (1 of 4 stars; one submission).

Submission:

GeneDx
Classification: Pathogenic. Last evaluated: 2019-03-05. Review status: criteria provided, single submitter. Criteria: GeneDx Variant Classification (06012015). Collection method: clinical testing. Allele origin: germline. Affected: yes.
Comment: The c.3700_3703delATCA variant in the ARID1B gene has not been reported previously as a pathogenic variant nor as a benign variant, to our knowledge. The c.3700_3703delATCA variant causes a frameshift starting with codon Isoleucine 1234, changes this amino acid to a Valine residue, and creates a premature Stop codon at position 9 of the new reading frame, denoted p.Ile1234ValfsX9. This variant is predicted to cause loss of normal protein function either through protein truncation or nonsense-mediated mRNA decay. The c.3700_3703delATCA variant is not observed in large population cohorts (Lek et al., 2016). We interpret c.3700_3703delATCA as a pathogenic variant

NM_001374828.1(ARID1B):c.4069_4072del (p.Ile1357fs)

Gene: ARID1B (AT-rich interaction domain 1B; plus strand). Cytogenetic location: 6q25.3.
Variant type: Deletion.
Coding change: c.4069_4072del on transcript NM_001374828.1 (MANE Select); coding-DNA positions 4069 to 4072, 4 bases deleted (ATCA; older notation c.4069_4072delATCA).
Protein change: p.Ile1357fs; shifts the reading frame from isoleucine 1357.
Molecular consequence: frameshift variant.
Genome position (GRCh38, 1-based): chr6:157,190,048-157,190,051, ATCA deleted; deleting any 4 consecutive bases within chr6:157,190,046-157,190,051 gives the same sequence; the c. name uses the placement nearest the transcript's 3' end. VCF-style (leftmost placement, unchanged base first): chr6-157190045-ACAAT-A. GRCh37 (hg19) VCF-style: chr6-157511179-ACAAT-A.
Other names: c.3700_3703delATCA (NM_020732.3); c.1570_1573del, p.Ile524fs (NM_001363725.2); c.3949_3952del, p.Ile1317fs (NM_001371656.1, NM_001374820.1); c.3910_3913del, p.Ile1304fs (NM_017519.3); short protein forms I1304fs, I1357fs, I524fs, I1317fs.
Identifiers: ClinVar variation 818020 (VCV000818020.1), dbSNP rs1583480465, ClinGen allele CA915944784.
Genomic context (GRCh38, chr6:157,190,045, plus strand): 5'-TTGGAGGTAACTCCTGCTGTATCATTAAGCTTTCATTCTTTGCCTCTCTTCAGAAGCAGT[ACAAT>A]CAGTGTGCACGACCCATTCTCAGATGTGAGTGATTCATCCTTCCCGAAACGGAACTCCAT-3'